The following is an entry in ClinVar:

ClinVar aggregate classification (germline): Uncertain significance (1 of 4 stars; one submission).

Submission:

Labcorp Genetics (formerly Invitae), Labcorp
Classification: Uncertain significance. Last evaluated: 2023-08-04. Review status: criteria provided, single submitter. Criteria: Invitae Variant Classification Sherloc (09022015). Collection method: clinical testing. Allele origin: germline.
Comment: In summary, the available evidence is currently insufficient to determine the role of this variant in disease. Therefore, it has been classified as a Variant of Uncertain Significance. Advanced modeling of protein sequence and biophysical properties (such as structural, functional, and spatial information, amino acid conservation, physicochemical variation, residue mobility, and thermodynamic stability) performed at Invitae indicates that this missense variant is not expected to disrupt ASPM protein function. ClinVar contains an entry for this variant (Variation ID: 2103235). This variant has not been reported in the literature in individuals affected with ASPM-related conditions. This variant is not present in population databases (gnomAD no frequency). This sequence change replaces lysine, which is basic and polar, with glutamine, which is neutral and polar, at codon 2038 of the ASPM protein (p.Lys2038Gln).

NM_018136.5(ASPM):c.6112A>C (p.Lys2038Gln)

Gene: ASPM (assembly factor for spindle microtubules; minus strand). Cytogenetic location: 1q31.3.
Variant type: single nucleotide variant.
Coding change: c.6112A>C on transcript NM_018136.5 (MANE Select); coding-DNA position 6112, A replaced by C.
Protein change: p.Lys2038Gln; replaces lysine 2038 with glutamine.
Molecular consequence: missense variant. On other transcripts: intron variant (1).
Genome position (GRCh38, 1-based): chr1:197,103,139, T>G on the plus strand (A>C on the coding strand, the complement: ASPM is on the minus strand). VCF-style: chr1-197103139-T-G. GRCh37 (hg19) VCF-style: chr1-197072269-T-G.
Other names: c.4066-6975A>C (NM_001206846.2); short protein forms K2038Q.
Identifiers: ClinVar variation 2103235 (VCV002103235.4), dbSNP rs2527298307, ClinGen allele CA344023648.